The following is an entry in ClinVar:

ClinVar aggregate classification (germline): Pathogenic (0 of 4 stars; one submission).

Conditions:
alpha Thalassemia. Also called: Alpha thalassemia spectrum. Identifiers: Orphanet 846, MedGen C0002312, MONDO:0011399, OMIM 604131.

Submission:

Counsyl
Classification: Pathogenic for alpha Thalassemia. Last evaluated: 2015-01-14. Review status: no assertion criteria provided. Collection method: clinical testing. Allele origin: unknown. Inheritance: Autosomal recessive inheritance.
Comment: -alpha3.7 is classified as an alpha+ mutation. This submission and the accompanying classification are no longer maintained by the submitter.

Literature cited by the submitters: PubMed 24025420; PubMed 3793931; PubMed 24826792; PubMed 7440717; PubMed 8192150; PubMed 2197725.

NC_000016.9:g.(222006_223725)_(225810_227536)del

Genes: HBA1 (hemoglobin subunit alpha 1; plus strand), HBA2 (hemoglobin subunit alpha 2; plus strand), LOC106804612 (hemoglobin subunit alpha 2 recombination region; plus strand), LOC106804613 (hemoglobin subunit alpha 1 recombination region; plus strand). Cytogenetic location: 16p13.3.
Variant type: Deletion.
Other names: -alpha3.7; HBA1/HBA23.7kbdel; -Î±3.7; HBA1/HBA2 3.7 kb del.
Identifiers: ClinVar variation 433555 (VCV000433555.2).